The following is an entry in ClinVar:

ClinVar aggregate classification (germline): Uncertain significance (1 of 4 stars; one submission).

Conditions:
Lesch-Nyhan syndrome (LNS). Also called: Lesch-Nyhan Disease (LND); HPRT DEFICIENCY, COMPLETE. Identifiers: Orphanet 510, MedGen C0023374, MONDO:0010298, OMIM 300322.
Partial hypoxanthine-guanine phosphoribosyltransferase deficiency. Also called: Kelley-Seegmiller Syndrome; HPRT1 DEFICIENCY, PARTIAL; GOUT, HPRT-RELATED; HPRT DEFICIENCY, PARTIAL; HYPOXANTHINE GUANINE PHOSPHORIBOSYLTRANSFERASE 1 DEFICIENCY, PARTIAL. Identifiers: Orphanet 79233, MedGen C0268117, MONDO:0010299, OMIM 300323.

Submissions (3):

Juno Genomics, Hangzhou Juno Genomics, Inc
Classification: Uncertain significance for Partial hypoxanthine-guanine phosphoribosyltransferase deficiency; Lesch-Nyhan syndrome. Review status: criteria provided, single submitter. Criteria: ACMG Guidelines, 2015. Collection method: clinical testing. Allele origin: germline. Affected: yes.
Comment: Absent from controls (or at extremely low frequency if recessive) in Genome Aggregation Database, Exome Sequencing Project, 1000 Genomes Project, or Exome Aggregation Consortium.;Multiple lines of computational evidence support a deleterious effect on the gene or gene product (conservation, evolutionary, splicing impact, etc).;The prevalence of the variant in affected individuals is significantly increased compared to the prevalence in controls.;Patient's phenotype or family history is highly specific for a disease with a single genetic etiology.

Dr. Peter K. Rogan Lab, Western University
No classification provided (evidence only). Condition: Thyroid cancer, nonmedullary, 1. Review status: no classification provided. Collection method: in vitro. Allele origin: not applicable. Functional consequence: retained intron. Not counted in ClinVar's aggregate classification.

Dr. Peter K. Rogan Lab, Western University
No classification provided (evidence only). Condition: Nonpapillary renal cell carcinoma. Review status: no classification provided. Collection method: in vitro. Allele origin: not applicable. Functional consequence: retained intron. Not counted in ClinVar's aggregate classification.

NM_000194.3(HPRT1):c.485G>A (p.Ser162Asn)

Gene: HPRT1 (hypoxanthine phosphoribosyltransferase 1; plus strand). Cytogenetic location: Xq26.2.
Variant type: single nucleotide variant.
Coding change: c.485G>A on transcript NM_000194.3 (MANE Select); coding-DNA position 485, G replaced by A.
Protein change: p.Ser162Asn; replaces serine 162 with asparagine.
Molecular consequence: missense variant.
Genome position (GRCh38, 1-based): chrX:134,493,590, G>A. VCF-style: chrX-134493590-G-A. GRCh37 (hg19) VCF-style: chrX-133627620-G-A.
Other names: NC_000023.10:g.133627620G>A; short protein forms S162N.
Identifiers: ClinVar variation 3382453 (VCV003382453.3).